The following is an entry in ClinVar:

NM_000038.6(APC):c.6705_6706insATATGAATTAGTCCTGGA (p.Val2236delinsIleTer)

Gene: APC (APC regulator of Wnt signaling pathway; plus strand). Cytogenetic location: 5q22.2.
Variant type: Insertion.
Coding change: c.6705_6706insATATGAATTAGTCCTGGA on transcript NM_000038.6 (MANE Select); coding-DNA positions 6705 to 6706, ATATGAATTAGTCCTGGA inserted.
Protein change: p.Val2236delinsIleTer.
Molecular consequence: nonsense. On other transcripts: non-coding transcript variant (2).
Genome position: GRCh38 VCF-style: chr5-112842296-A-AGGAATATGAATTAGTCCT. GRCh37 (hg19) VCF-style: chr5-112177993-A-AGGAATATGAATTAGTCCT.
Other names: c.6705_6706insATATGAATTAGTCCTGGA, p.Val2236delinsIleTer (NM_001127510.3, NM_001354895.2, NM_001407450.1); c.6651_6652insATATGAATTAGTCCTGGA, p.Val2218delinsIleTer (NM_001127511.3); c.6759_6760insATATGAATTAGTCCTGGA, p.Val2254delinsIleTer (NM_001354896.2, NM_001407447.1, NM_001407448.1 and 1 more transcripts); c.6735_6736insATATGAATTAGTCCTGGA, p.Val2246delinsIleTer (NM_001354897.2); c.6630_6631insATATGAATTAGTCCTGGA, p.Val2211delinsIleTer (NM_001354898.2); c.6621_6622insATATGAATTAGTCCTGGA, p.Val2208delinsIleTer (NM_001354899.2); c.6582_6583insATATGAATTAGTCCTGGA, p.Val2195delinsIleTer (NM_001354900.2); c.6528_6529insATATGAATTAGTCCTGGA, p.Val2177delinsIleTer (NM_001354901.2, NM_001407453.1); and 11 more.
Identifiers: ClinVar variation 3894136 (VCV003894136.1).

ClinVar aggregate classification (germline): Pathogenic (1 of 4 stars; one submission).

Conditions:
Hereditary cancer-predisposing syndrome. Also called: Neoplastic Syndromes, Hereditary; Tumor predisposition; Hereditary Cancer Syndrome; Hereditary neoplastic syndrome. Identifiers: Orphanet 140162, MedGen C0027672, MeSH D009386, MONDO:0015356.

Submission:

Color Diagnostics, LLC DBA Color Health
Classification: Pathogenic for Hereditary cancer-predisposing syndrome. Last evaluated: 2024-10-29. Review status: criteria provided, single submitter. Criteria: ACMG Guidelines, 2015. Collection method: clinical testing. Allele origin: germline.
Comment: This variant inserts 18 nucleotides in exon 16 of the APC gene, creating a premature translation stop signal in the last coding exon. This variant is predicted to escape nonsense-mediated decay and be expressed as a truncated protein. Although functional studies have not been reported, this variant is expected to disrupt the basic domain, the EB1 binding domain, and the HDLG binding domain (PMID: 11257105). To our knowledge, this variant has not been reported in individuals affected with APC-related disorders in the literature. This variant has not been identified in the general population by the Genome Aggregation Database (gnomAD). Loss of APC function is a known mechanism of disease. Based on the available evidence, this variant is classified as Pathogenic.

Literature cited by the submitters: PubMed 11257105.